The following is an entry in ClinVar:

ClinVar aggregate classification (germline): Benign/Likely benign. Review status: criteria provided, multiple submitters, no conflicts (2 of 4 stars). 7 submissions from 7 submitters: Benign (3); Likely benign (2). 2 of the submissions do not count toward it. Last evaluated 2026-01-31.

Conditions:
Duane-radial ray syndrome (DRRS). Also called: ACRORENOOCULAR SYNDROME; DR SYNDROME; DUANE ANOMALY WITH RADIAL RAY ABNORMALITIES AND DEAFNESS; Duane-Radial Ray Syndrome/Okihiro Syndrome; Duane-Radial Ray Syndrome (DRRS) / Okihiro Syndrome; Okihiro Syndrome. Identifiers: Orphanet 93293, Orphanet 959, MedGen C1623209, MONDO:0011812, OMIM 607323. Disease mechanism: gain of function.
Oculootoradial syndrome (IVIC). Also called: RADIAL RAY DEFECTS, HEARING IMPAIRMENT, EXTERNAL OPHTHALMOPLEGIA, AND THROMBOCYTOPENIA; IVIC syndrome. Identifiers: Orphanet 2307, MedGen C1327918, MONDO:0007836, OMIM 147750.

Allele frequency attached by ClinVar (database versions not stated): TOPMed 0.00095; 1000 Genomes Project 0.00100; 1000 Genomes Project 30x 0.00109; ESP Exome Variant Server 0.00115; gnomAD 0.00119 and 0.00124; gnomAD exomes 0.00125 and 0.00159; ExAC 0.00128.

Submissions (7):

Labcorp Genetics (formerly Invitae), Labcorp
Classification: Benign for Duane-radial ray syndrome. Last evaluated: 2026-01-31. Review status: criteria provided, single submitter. Criteria: Invitae Variant Classification Sherloc (09022015). Collection method: clinical testing. Allele origin: germline.

CeGaT Center for Human Genetics Tuebingen
Classification: Likely benign. Last evaluated: 2025-03-01. Review status: criteria provided, single submitter. Criteria: CeGaT Center For Human Genetics Tuebingen Variant Classification Criteria Version 2. Collection method: clinical testing. Allele origin: germline. Affected: yes. Observed: 4 variant alleles.
Comment: SALL4: BP4, BP7

Blueprint Genetics
Classification: Likely benign. Last evaluated: 2024-11-07. Review status: criteria provided, single submitter. Criteria: ACMG Guidelines, 2015. Collection method: clinical testing. Allele origin: germline.

Fulgent Genetics
Classification: Benign for Oculootoradial syndrome; Duane-radial ray syndrome. Last evaluated: 2021-07-19. Review status: criteria provided, single submitter. Criteria: ACMG Guidelines, 2015. Collection method: clinical testing. Allele origin: unknown.

Breakthrough Genomics
Classification: Benign. Review status: criteria provided, single submitter. Criteria: ACMG Guidelines, 2015. Collection method: not provided. Allele origin: germline. Inheritance: Autosomal dominant inheritance. Affected: yes.

Clinical Genetics DNA and cytogenetics Diagnostics Lab, Erasmus MC, Erasmus Medical Center
Classification: Benign. Review status: no assertion criteria provided. Collection method: clinical testing. Allele origin: germline. Affected: yes. Study: VKGL Data-share Consensus. Not counted in ClinVar's aggregate classification.

Genome Diagnostics Laboratory, University Medical Center Utrecht
Classification: Benign. Review status: no assertion criteria provided. Collection method: clinical testing. Allele origin: germline. Affected: yes. Study: VKGL Data-share Consensus. Not counted in ClinVar's aggregate classification.

NM_020436.5(SALL4):c.1557C>T (p.Pro519=)

Gene: SALL4 (spalt like transcription factor 4; minus strand). Cytogenetic location: 20q13.2.
Variant type: single nucleotide variant.
Coding change: c.1557C>T on transcript NM_020436.5 (MANE Select); coding-DNA position 1557, C replaced by T.
Protein change: p.Pro519=; no amino-acid change (proline 519 retained).
Molecular consequence: synonymous variant. On other transcripts: intron variant (1).
Genome position (GRCh38, 1-based): chr20:51,790,926, G>A on the plus strand (C>T on the coding strand, the complement: SALL4 is on the minus strand). VCF-style: chr20-51790926-G-A. GRCh37 (hg19) VCF-style: chr20-50407465-G-A.
Other names: c.1150+407C>T (NM_001318031.2); c.1557C>T (LRG_675t1).
Identifiers: ClinVar variation 338775 (VCV000338775.38), dbSNP rs75554760, ClinGen allele CA9912264.